The following is an entry in ClinVar:

NM_017866.6(TMEM70):c.*785G>A

Gene: TMEM70 (transmembrane protein 70; plus strand). Cytogenetic location: 8q21.11.
Variant type: single nucleotide variant.
Coding change: c.*785G>A on transcript NM_017866.6 (MANE Select); 785 bases downstream of the stop codon, G replaced by A.
Molecular consequence: 3 prime UTR variant. On other transcripts: non-coding transcript variant (1).
Genome position (GRCh38, 1-based): chr8:73,982,406, G>A. VCF-style: chr8-73982406-G-A. GRCh37 (hg19) VCF-style: chr8-74894641-G-A.
Other names: c.*1258G>A (NM_001040613.3).
Identifiers: ClinVar variation 363711 (VCV000363711.6), dbSNP rs66498650, ClinGen allele CA4784249.
Genomic context (GRCh38, chr8:73,982,406, plus strand): 5'-TGGGATCGTTTCCAGATGAGAATCCACAAGCGACTCATTGACTTGCGCAGTCCTCAGATA[G>A]TTAAGCAGATTACTTCCATCAGTATTGAGCCAGGAGTTGAGATGGAAGTCACCATTGCAA-3'

ClinVar aggregate classification (germline): Benign. Review status: criteria provided, multiple submitters, no conflicts (2 of 4 stars). 2 submissions from 2 submitters: Benign (2). Last evaluated 2018-01-12.

Conditions:
Mitochondrial complex V (ATP synthase) deficiency, nuclear type 2. Also called: Nuclear-Encoded ATPase Deficiency, TMEM70-Related; ENCEPHALOCARDIOMYOPATHY, MITOCHONDRIAL, NEONATAL, DUE TO ATP SYNTHASE DEFICIENCY; MITOCHONDRIAL COMPLEX V (ATP SYNTHASE) DEFICIENCY, TMEM70 TYPE. Identifiers: Orphanet 1194, MedGen C3279699, MONDO:0013546, OMIM 614052.

Allele frequency attached by ClinVar (database versions not stated): 1000 Genomes Project 30x 0.01796; 1000 Genomes Project 0.01977; TOPMed 0.02854; gnomAD 0.03307 and 0.03323; gnomAD exomes 0.03650; ExAC 0.03916.
gnomAD v4.1: 29,515 of 795,512 alleles (3.7%); highest among the groups gnomAD compares: Non-Finnish European, 4.6%; 701 homozygotes.

Submissions (2):

Illumina Laboratory Services, Illumina
Classification: Benign for Mitochondrial complex V (ATP synthase) deficiency, nuclear type 2. Last evaluated: 2018-01-12. Review status: criteria provided, single submitter. Criteria: ICSL Variant Classification Criteria 13 December 2019. Collection method: clinical testing. Allele origin: germline.
Comment: This variant was observed in the ICSL laboratory as part of a predisposition screen in an ostensibly healthy population. It had not been previously curated by ICSL or reported in the Human Gene Mutation Database (HGMD: prior to June 1st, 2018), and was therefore a candidate for classification through an automated scoring system. Utilizing variant allele frequency, disease prevalence and penetrance estimates, and inheritance mode, an automated score was calculated to assess if this variant is too frequent to cause the disease. Based on the score and internal cut-off values, a variant classified as benign is not then subjected to further curation. The score for this variant resulted in a classification of benign for this disease.

Breakthrough Genomics
Classification: Benign. Review status: criteria provided, single submitter. Criteria: ACMG Guidelines, 2015. Collection method: not provided. Allele origin: germline. Inheritance: Autosomal recessive inheritance. Affected: yes.